The following is an entry in ClinVar:

NM_004655.4(AXIN2):c.2142G>C (p.Arg714=)

Gene: AXIN2 (axin 2; minus strand). Cytogenetic location: 17q24.1.
Variant type: single nucleotide variant.
Coding change: c.2142G>C on transcript NM_004655.4 (MANE Select); coding-DNA position 2142, G replaced by C.
Protein change: p.Arg714=; no amino-acid change (arginine 714 retained).
Molecular consequence: synonymous variant.
Genome position (GRCh38, 1-based): chr17:65,535,721, C>G on the plus strand (G>C on the coding strand, the complement: AXIN2 is on the minus strand). VCF-style: chr17-65535721-C-G. GRCh37 (hg19) VCF-style: chr17-63531839-C-G.
Other names: c.1947G>C, p.Arg649= (NM_001363813.1).
Identifiers: ClinVar variation 2092458 (VCV002092458.4), dbSNP rs2043901191, ClinGen allele CA501476148.
Genomic context (GRCh38, chr17:65,535,721, plus strand): 5'-GGCTCCCGTCTGAACAGTGGCCGAATGATTCCTGTCCCTCTGCTGACTGGCCACACAGCA[C>G]CTGAGGACACAGCCAGGGCGAGGGATTTAGAGGTACACTGTTGTCCCCAGAGCAATTGAA-3'
Protein context (NP_004646.3, residues 704-724): LAEVSKPPKQ[Arg714=]CCVASQQRDR

ClinVar aggregate classification (germline): Uncertain significance (1 of 4 stars; one submission).

Conditions:
Oligodontia-cancer predisposition syndrome. Also called: TOOTH AGENESIS-COLORECTAL CANCER SYNDROME. Identifiers: Orphanet 300576, MedGen C1837750, MONDO:0012075, OMIM 608615. Disease mechanism: loss of function.

Submission:

Labcorp Genetics (formerly Invitae), Labcorp
Classification: Uncertain significance for Oligodontia-cancer predisposition syndrome. Last evaluated: 2022-02-03. Review status: criteria provided, single submitter. Criteria: Invitae Variant Classification Sherloc (09022015). Collection method: clinical testing. Allele origin: germline.
Comment: This sequence change affects codon 714 of the AXIN2 mRNA. It is a 'silent' change, meaning that it does not change the encoded amino acid sequence of the AXIN2 protein. It affects a nucleotide within the consensus splice site. This variant is not present in population databases (gnomAD no frequency). This variant has not been reported in the literature in individuals affected with AXIN2-related conditions. Algorithms developed to predict the effect of sequence changes on RNA splicing suggest that this variant may disrupt the consensus splice site. In summary, the available evidence is currently insufficient to determine the role of this variant in disease. Therefore, it has been classified as a Variant of Uncertain Significance.